The following is an entry in ClinVar:

NM_017866.6(TMEM70):c.100dup (p.Ala34fs)

Gene: TMEM70 (transmembrane protein 70; plus strand). Cytogenetic location: 8q21.11.
Variant type: Duplication.
Coding change: c.100dup on transcript NM_017866.6 (MANE Select); coding-DNA position 100, one base duplicated (G; older notation c.100dupG).
Protein change: p.Ala34fs; shifts the reading frame from alanine 34.
Molecular consequence: frameshift variant. On other transcripts: non-coding transcript variant (1).
Genome position (GRCh38, 1-based): chr8:73,976,381, G duplicated; the last of 3 consecutive G bases (chr8:73,976,379-73,976,381); duplicating any one gives the same sequence. VCF-style (leftmost placement, unchanged base first): chr8-73976378-C-CG. GRCh37 (hg19) VCF-style: chr8-74888613-C-CG.
Other names: c.100dup, p.Ala34fs (NM_001040613.3); short protein forms A34fs.
Identifiers: ClinVar variation 1074442 (VCV001074442.8), dbSNP rs1563697094, ClinGen allele CA582881272.

ClinVar aggregate classification (germline): Pathogenic/Likely pathogenic. Review status: criteria provided, multiple submitters, no conflicts (2 of 4 stars). 2 submissions from 2 submitters: Pathogenic (1); Likely pathogenic (1). Last evaluated 2026-01-25.

Conditions:
TMEM70-related disorder. Also called: TMEM70-related condition.
Mitochondrial complex V (ATP synthase) deficiency, nuclear type 2. Also called: Nuclear-Encoded ATPase Deficiency, TMEM70-Related; ENCEPHALOCARDIOMYOPATHY, MITOCHONDRIAL, NEONATAL, DUE TO ATP SYNTHASE DEFICIENCY; MITOCHONDRIAL COMPLEX V (ATP SYNTHASE) DEFICIENCY, TMEM70 TYPE. Identifiers: Orphanet 1194, MedGen C3279699, MONDO:0013546, OMIM 614052.

Submissions (2):

Labcorp Genetics (formerly Invitae), Labcorp
Classification: Pathogenic for Mitochondrial complex V (ATP synthase) deficiency, nuclear type 2. Last evaluated: 2026-01-25. Review status: criteria provided, single submitter. Criteria: Invitae Variant Classification Sherloc (09022015). Collection method: clinical testing. Allele origin: germline.
Comment: This sequence change creates a premature translational stop signal (p.Ala34Glyfs*54) in the TMEM70 gene. It is expected to result in an absent or disrupted protein product. Loss-of-function variants in TMEM70 are known to be pathogenic (PMID: 18953340, 21147908). This variant is present in population databases (no rsID available, gnomAD 0.002%). This variant has not been reported in the literature in individuals affected with TMEM70-related conditions. ClinVar contains an entry for this variant (Variation ID: 1074442). For these reasons, this variant has been classified as Pathogenic.

Blueprint Genetics
Classification: Likely pathogenic for TMEM70-related disorders. Last evaluated: 2022-11-08. Review status: criteria provided, single submitter. Criteria: ACMG Guidelines, 2015. Collection method: clinical testing. Allele origin: germline. Affected: yes. Observed: 1 variant allele.

Literature cited by the submitters: PubMed 18953340 (cited by Labcorp Genetics (formerly Invitae), Labcorp); PubMed 21147908 (cited by Labcorp Genetics (formerly Invitae), Labcorp).